The following is an entry in ClinVar:

ClinVar aggregate classification (germline): Uncertain significance. Review status: criteria provided, multiple submitters, no conflicts (2 of 4 stars). 2 submissions from 2 submitters: Uncertain significance (2). Last evaluated 2025-03-07.

Conditions:
Inborn genetic diseases. Identifiers: MedGen C0950123, MeSH D030342.

Submissions (2):

Ambry Genetics
Classification: Uncertain significance for Inborn genetic diseases. Last evaluated: 2025-03-07. Review status: criteria provided, single submitter. Criteria: Ambry Variant Classification Scheme 2023. Collection method: clinical testing. Allele origin: germline.

GeneDx
Classification: Uncertain significance. Last evaluated: 2022-02-18. Review status: criteria provided, single submitter. Criteria: GeneDx Variant Classification Process June 2021. Collection method: clinical testing. Allele origin: germline. Affected: yes.
Comment: Not observed at significant frequency in large population cohorts (gnomAD); In silico analysis supports that this missense variant does not alter protein structure/function; Has not been previously published as pathogenic or benign to our knowledge

NM_001195.5(BFSP1):c.279G>T (p.Glu93Asp)

Gene: BFSP1 (beaded filament structural protein 1; minus strand). Cytogenetic location: 20p12.1.
Variant type: single nucleotide variant.
Coding change: c.279G>T on transcript NM_001195.5 (MANE Select); coding-DNA position 279, G replaced by T.
Protein change: p.Glu93Asp; replaces glutamic acid 93 with aspartic acid.
Molecular consequence: missense variant. On other transcripts: intron variant (4).
Genome position (GRCh38, 1-based): chr20:17,531,051, C>A on the plus strand (G>T on the coding strand, the complement: BFSP1 is on the minus strand). VCF-style: chr20-17531051-C-A. GRCh37 (hg19) VCF-style: chr20-17511696-C-A.
Other names: c.-40-6143G>T (NM_001278608.2, NM_001278606.2); c.45-6143G>T (NM_001278607.2); c.3-6143G>T (NM_001161705.2); c.279G>T (NM_001195.3); short protein forms E93D.
Identifiers: ClinVar variation 1804604 (VCV001804604.2), dbSNP rs1363009330, ClinGen allele CA408309855.